The following is an entry in ClinVar:

ClinVar aggregate classification (germline): Conflicting classifications of pathogenicity. Review status: criteria provided, conflicting classifications (1 of 4 stars). 2 submissions from 2 submitters: Likely pathogenic (1); Uncertain significance (1). Last evaluated 2026-01-26.

Conditions:
Cornelia de Lange syndrome 3 (CDLS3). Also called: CORNELIA DE LANGE SYNDROME 3 WITH OR WITHOUT MIDLINE BRAIN DEFECTS; SMC3-Related Cornelia de Lange Syndrome. Identifiers: Orphanet 199, MedGen C1853099, MONDO:0012555, OMIM 610759.

Submissions (2):

Labcorp Genetics (formerly Invitae), Labcorp
Classification: Uncertain significance for Cornelia de Lange syndrome 3. Last evaluated: 2026-01-26. Review status: criteria provided, single submitter. Criteria: Invitae Variant Classification Sherloc (09022015). Collection method: clinical testing. Allele origin: germline.
Comment: This sequence change replaces aspartic acid, which is acidic and polar, with asparagine, which is neutral and polar, at codon 92 of the SMC3 protein (p.Asp92Asn). This variant is not present in population databases (gnomAD no frequency). This variant has not been reported in the literature in individuals affected with SMC3-related conditions. ClinVar contains an entry for this variant (Variation ID: 3253230). Invitae Evidence Modeling of protein sequence and biophysical properties (such as structural, functional, and spatial information, amino acid conservation, physicochemical variation, residue mobility, and thermodynamic stability) has been performed for this missense variant. However, the output from this modeling did not meet the statistical confidence thresholds required to predict the impact of this variant on SMC3 protein function. In summary, the available evidence is currently insufficient to determine the role of this variant in disease. Therefore, it has been classified as a Variant of Uncertain Significance.

GeneDx
Classification: Likely pathogenic. Last evaluated: 2025-11-19. Review status: criteria provided, single submitter. Criteria: GeneDx Variant Classification Process June 2021. Collection method: clinical testing. Allele origin: germline.
Comment: Not observed at significant frequency in large population cohorts (gnomAD); In silico analysis supports that this missense variant has a deleterious effect on protein structure/function; This variant is associated with the following publications: (PMID: 40766905)

NM_005445.4(SMC3):c.274G>A (p.Asp92Asn)

Gene: SMC3 (structural maintenance of chromosomes 3; plus strand). Cytogenetic location: 10q25.2.
Variant type: single nucleotide variant.
Coding change: c.274G>A on transcript NM_005445.4 (MANE Select); coding-DNA position 274, G replaced by A.
Protein change: p.Asp92Asn; replaces aspartic acid 92 with asparagine.
Molecular consequence: missense variant.
Genome position (GRCh38, 1-based): chr10:110,577,838, G>A. VCF-style: chr10-110577838-G-A. GRCh37 (hg19) VCF-style: chr10-112337596-G-A.
Other names: short protein forms D92N.
Identifiers: ClinVar variation 3253230 (VCV003253230.3), dbSNP rs1554882266.